The following is an entry in ClinVar:

ClinVar aggregate classification (germline): Uncertain significance (1 of 4 stars; one submission).

Submission:

GeneDx
Classification: Uncertain significance. Last evaluated: 2025-04-04. Review status: criteria provided, single submitter. Criteria: GeneDx Variant Classification Process June 2021. Collection method: clinical testing. Allele origin: germline. Affected: yes.
Comment: Not observed at significant frequency in large population cohorts (gnomAD); In silico analysis supports that this missense variant has a deleterious effect on protein structure/function; Has not been previously published as pathogenic or benign to our knowledge

NM_002025.4(AFF2):c.3368C>G (p.Pro1123Arg)

Gene: AFF2 (ALF transcription elongation factor 2; plus strand). Cytogenetic location: Xq28.
Variant type: single nucleotide variant.
Coding change: c.3368C>G on transcript NM_002025.4 (MANE Select); coding-DNA position 3368, C replaced by G.
Protein change: p.Pro1123Arg; replaces proline 1123 with arginine.
Molecular consequence: missense variant.
Genome position (GRCh38, 1-based): chrX:148,973,571, C>G. VCF-style: chrX-148973571-C-G. GRCh37 (hg19) VCF-style: chrX-148055101-C-G.
Other names: c.3263C>G, p.Pro1088Arg (NM_001169122.2, NM_001169124.2); c.3338C>G, p.Pro1113Arg (NM_001169123.2); c.3251C>G, p.Pro1084Arg (NM_001169125.2); c.2291C>G, p.Pro764Arg (NM_001170628.1); short protein forms P1084R, P1088R, P1113R, P1123R, P764R.
Identifiers: ClinVar variation 4281806 (VCV004281806.1).